The following is an entry in ClinVar:

ClinVar aggregate classification (germline): Benign/Likely benign. Review status: criteria provided, multiple submitters, no conflicts (2 of 4 stars). 4 submissions from 4 submitters: Benign (2); Likely benign (2). Last evaluated 2025-09-08.

Conditions:
Renal cell carcinoma. Identifiers: Orphanet 217071, MedGen C0007134, MeSH D002292, MONDO:0005086, HP:0005584.
Hereditary cancer-predisposing syndrome. Also called: Hereditary Cancer Syndrome; Hereditary neoplastic syndrome; Neoplastic Syndromes, Hereditary; Tumor predisposition. Identifiers: Orphanet 140162, MedGen C0027672, MeSH D009386, MONDO:0015356.
Papillary renal cell carcinoma type 1 (RCCP1). Also called: Renal adenocarcinoma; Renal cell carcinoma 1; Renal cell carcinoma, somatic; RENAL CELL CARCINOMA, PAPILLARY, 1, SOMATIC. Identifiers: Orphanet 47044, MedGen C1336839, OMIM 605074, HP:0011797.

Allele frequency attached by ClinVar (database versions not stated): gnomAD exomes below 0.00001.
gnomAD v4.1: 4 of 1,614,192 alleles (0.00025%); highest among the groups gnomAD compares: Non-Finnish European, 0.00017%; no homozygotes.

Submissions (4):

Labcorp Genetics (formerly Invitae), Labcorp
Classification: Likely benign for Renal cell carcinoma. Last evaluated: 2025-09-08. Review status: criteria provided, single submitter. Criteria: Invitae Variant Classification Sherloc (09022015). Collection method: clinical testing. Allele origin: germline.

KCCC/NGS Laboratory, Kuwait Cancer Control Center
Classification: Benign for Papillary renal cell carcinoma type 1. Last evaluated: 2025-02-01. Review status: criteria provided, single submitter. Criteria: ACMG Guidelines, 2015. Collection method: clinical testing. Allele origin: germline. Affected: no.

Myriad Genetics, Inc.
Classification: Benign for Papillary renal cell carcinoma type 1. Last evaluated: 2024-11-13. Review status: criteria provided, single submitter. Criteria: Myriad Autosomal Dominant, Autosomal Recessive and X-Linked Classification Criteria (2023). Collection method: clinical testing. Allele origin: unknown.
Comment: This variant is considered benign. This variant is a silent/synonymous amino acid change and it is not expected to impact splicing.

Ambry Genetics
Classification: Likely benign for Hereditary cancer-predisposing syndrome. Last evaluated: 2020-09-18. Review status: criteria provided, single submitter. Criteria: Ambry Variant Classification Scheme 2023. Collection method: clinical testing. Allele origin: germline.

NM_000245.4(MET):c.3183G>A (p.Glu1061=)

Gene: MET (MET proto-oncogene, receptor tyrosine kinase; plus strand). Cytogenetic location: 7q31.2.
Variant type: single nucleotide variant.
Coding change: c.3183G>A on transcript NM_000245.4 (MANE Select); coding-DNA position 3183, G replaced by A.
Protein change: p.Glu1061=; no amino-acid change (glutamic acid 1061 retained).
Molecular consequence: synonymous variant.
Genome position (GRCh38, 1-based): chr7:116,775,035, G>A. VCF-style: chr7-116775035-G-A. GRCh37 (hg19) VCF-style: chr7-116415089-G-A.
Other names: c.3237G>A (NM_001127500.2, LRG_662t1); c.3237G>A, p.Glu1079= (NM_001127500.3); c.1893G>A, p.Glu631= (NM_001324402.2).
Identifiers: ClinVar variation 454235 (VCV000454235.13), dbSNP rs1554398889, ClinGen allele CA457218433.